The following is an entry in ClinVar:

NM_052897.4(MBD6):c.2899C>T (p.Arg967Cys)

Gene: MBD6 (methyl-CpG binding domain protein 6; plus strand). Cytogenetic location: 12q13.3.
Variant type: single nucleotide variant.
Coding change: c.2899C>T on transcript NM_052897.4 (MANE Select); coding-DNA position 2899, C replaced by T.
Protein change: p.Arg967Cys; replaces arginine 967 with cysteine.
Molecular consequence: missense variant.
Genome position (GRCh38, 1-based): chr12:57,528,971, C>T. VCF-style: chr12-57528971-C-T. GRCh37 (hg19) VCF-style: chr12-57922754-C-T.
Other names: c.2899C>T (NM_052897.3); short protein forms R967C.
Identifiers: ClinVar variation 445772 (VCV000445772.4), dbSNP rs144794136, ClinGen allele CA6651940.

ClinVar aggregate classification (germline): Likely benign. Review status: criteria provided, single submitter (1 of 4 stars). 2 submissions from 2 submitters: Likely benign (1). 1 of the submissions does not count toward it. Last evaluated 2017-07-24.

Conditions:
MBD6-related disorder. Also called: MBD6-related condition.

Allele frequency attached by ClinVar (database versions not stated): 1000 Genomes Project 30x 0.00016; 1000 Genomes Project 0.00020; gnomAD 0.00027 and 0.00032; ESP Exome Variant Server 0.00031; TOPMed 0.00031; ExAC 0.00057; gnomAD exomes 0.00059 and 0.00063.
gnomAD v4.1: 957 of 1,614,076 alleles (0.059%); highest among the groups gnomAD compares: South Asian, 0.22%; 5 homozygotes.

Submissions (2):

Center for Pediatric Genomic Medicine, Children's Mercy Hospital and Clinics
Classification: Likely benign. Last evaluated: 2017-07-24. Review status: criteria provided, single submitter. Criteria: ACMG Guidelines, 2015. Collection method: clinical testing. Allele origin: germline.

PreventionGenetics, part of Exact Sciences
Classification: Likely benign for MBD6-related condition. Last evaluated: 2022-02-25. Review status: no assertion criteria provided. Collection method: clinical testing. Allele origin: germline. Not counted in ClinVar's aggregate classification.
Comment: This variant is classified as likely benign based on ACMG/AMP sequence variant interpretation guidelines (Richards et al. 2015 PMID: 25741868, with internal and published modifications).